The following is an entry in ClinVar:

ClinVar aggregate classification (germline): Uncertain significance (1 of 4 stars; one submission).

Conditions:
PLXNA3-related disorder. Also called: PLXNA3-related condition.

gnomAD v4.1: 6 of 1,206,207 alleles (0.0005%); highest among the groups gnomAD compares: Non-Finnish European, 0.00067%; no homozygotes.

Submission:

PreventionGenetics, part of Exact Sciences
Classification: Uncertain significance for PLXNA3-related condition. Last evaluated: 2025-06-23. Review status: criteria provided, single submitter. Criteria: ACMG Guidelines, 2015. Collection method: clinical testing. Allele origin: germline.
Comment: The PLXNA3 c.1372G>T variant is predicted to result in the amino acid substitution p.Asp458Tyr. To our knowledge, this variant has not been reported in the literature or in a large population database (gnomAD), indicating this variant is rare. At this time, the clinical significance of this variant is uncertain due to the absence of conclusive functional and genetic evidence.

NM_017514.5(PLXNA3):c.1372G>T (p.Asp458Tyr)

Gene: PLXNA3 (plexin A3; plus strand). Cytogenetic location: Xq28.
Variant type: single nucleotide variant.
Coding change: c.1372G>T on transcript NM_017514.5 (MANE Select); coding-DNA position 1372, G replaced by T.
Protein change: p.Asp458Tyr; replaces aspartic acid 458 with tyrosine.
Molecular consequence: missense variant.
Genome position (GRCh38, 1-based): chrX:154,463,445, G>T. VCF-style: chrX-154463445-G-T. GRCh37 (hg19) VCF-style: chrX-153691788-G-T.
Other names: short protein forms D458Y.
Identifiers: ClinVar variation 3345242 (VCV003345242.2).